The following is an entry in ClinVar:

ClinVar aggregate classification (germline): Pathogenic. Review status: criteria provided, multiple submitters, no conflicts (2 of 4 stars). 3 submissions from 3 submitters: Pathogenic (3). Last evaluated 2025-09-15.

Conditions:
Tuberous sclerosis 2 (TSC2). Identifiers: Orphanet 805, MedGen C1860707, MONDO:0013199, OMIM 613254.
TSC2-related disorder. Also called: TSC2-Related Disorders; TSC2-related condition.

Submissions (3):

GeneDx
Classification: Pathogenic. Last evaluated: 2025-09-15. Review status: criteria provided, single submitter. Criteria: GeneDx Variant Classification Process June 2021. Collection method: clinical testing. Allele origin: germline.
Comment: Has not been previously published as pathogenic or benign to our knowledge; Frameshift variant predicted to result in protein truncation or nonsense mediated decay in a gene for which loss of function is a known mechanism of disease; Not observed at significant frequency in large population cohorts (gnomAD)

PreventionGenetics, part of Exact Sciences
Classification: Pathogenic for TSC2-related condition. Last evaluated: 2025-03-29. Review status: criteria provided, single submitter. Criteria: ACMG Guidelines, 2015. Collection method: clinical testing. Allele origin: germline.
Comment: The TSC2 c.4345delT variant is predicted to result in a frameshift and premature protein termination (p.Ser1449Profs*27). To our knowledge, this variant has not been reported in the literature or in a large population database (gnomAD), indicating this variant is rare. This variant is interpreted as pathogenic in ClinVar. Frameshift variants in TSC2 are expected to be pathogenic. This variant is interpreted as pathogenic.

Labcorp Genetics (formerly Invitae), Labcorp
Classification: Pathogenic for Tuberous sclerosis 2. Last evaluated: 2019-02-26. Review status: criteria provided, single submitter. Criteria: Invitae Variant Classification Sherloc (09022015). Collection method: clinical testing. Allele origin: germline.
Comment: This sequence change creates a premature translational stop signal (p.Ser1449Profs*27) in the TSC2 gene. It is expected to result in an absent or disrupted protein product. This variant is not present in population databases (ExAC no frequency). This variant has not been reported in the literature in individuals with TSC2-related conditions. Loss-of-function variants in TSC2 are known to be pathogenic (PMID: 10205261, 17304050). For these reasons, this variant has been classified as Pathogenic.

NM_000548.5(TSC2):c.4345del (p.Ser1449fs)

Gene: TSC2 (TSC complex subunit 2; plus strand). Cytogenetic location: 16p13.3.
Variant type: Deletion.
Coding change: c.4345del on transcript NM_000548.5 (MANE Select); coding-DNA position 4345, one base deleted (T; older notation c.4345delT).
Protein change: p.Ser1449fs; shifts the reading frame from serine 1449.
Molecular consequence: frameshift variant.
Genome position (GRCh38, 1-based): chr16:2,084,567, T deleted. VCF-style (leftmost placement, unchanged base first): chr16-2084566-CT-C. GRCh37 (hg19) VCF-style: chr16-2134567-CT-C.
Other names: c.3613del, p.Ser1205fs (NM_001318831.2); c.4177del, p.Ser1393fs (NM_001318832.2); c.4147del, p.Ser1383fs (NM_001363528.2); c.4213del, p.Ser1405fs (NM_001370404.1); c.4216del, p.Ser1406fs (NM_001370405.1, NM_021055.3); c.4144del, p.Ser1382fs (NM_001077183.3); c.4276del, p.Ser1426fs (NM_001114382.3); c.4036del, p.Ser1346fs (NM_001318827.2); and 2 more; short protein forms S1334fs, S1383fs, S1405fs, S1426fs, S1449fs, S1346fs, S1382fs, S1393fs.
Identifiers: ClinVar variation 847482 (VCV000847482.4), dbSNP rs2090524176, ClinGen allele CA916081772.
Genomic context (GRCh38, chr16:2,084,566, plus strand): 5'-TGCCTGGTCGGCCTCGGGCGAAGACAGTCGGGGCCAGCCCGAGGGTCCCTTGCCTTCCAG[CT>C]CCCCCCGCTCGCCCAGTGGCCTCCGGCCCCGAGGTTACACCATCTCCGACTCGGCCCCAT-3'